The following is an entry in ClinVar:

NM_001376.5(DYNC1H1):c.1385G>C (p.Arg462Pro)

Gene: DYNC1H1 (dynein cytoplasmic 1 heavy chain 1; plus strand). Cytogenetic location: 14q32.31.
Variant type: single nucleotide variant.
Coding change: c.1385G>C on transcript NM_001376.5 (MANE Select); coding-DNA position 1385, G replaced by C.
Protein change: p.Arg462Pro; replaces arginine 462 with proline.
Molecular consequence: missense variant.
Genome position (GRCh38, 1-based): chr14:101,983,533, G>C. VCF-style: chr14-101983533-G-C. GRCh37 (hg19) VCF-style: chr14-102449870-G-C.
Other names: short protein forms R462P.
Identifiers: ClinVar variation 4292183 (VCV004292183.1).

ClinVar aggregate classification (germline): Likely pathogenic (1 of 4 stars; one submission).

Conditions:
Cortical dysplasia, complex, with other brain malformations 13. Also called: Intellectual disability, autosomal dominant 13. Identifiers: MedGen C3281202, MONDO:0013805, OMIM 614563.

Submission:

3billion
Classification: Likely pathogenic for Cortical dysplasia, complex, with other brain malformations 13. Last evaluated: 2024-07-11. Review status: criteria provided, single submitter. Criteria: ACMG Guidelines, 2015. Collection method: clinical testing. Allele origin: germline. Affected: yes.
Comment: The variant is not observed in the gnomAD v4.0.0 dataset. Predicted Consequence/Location: Missense changes are a common disease-causing mechanism. In silico tool predictions suggest damaging effect of the variant on gene or gene product [REVEL: 0.82 (>=0.6, sensitivity 0.68 and specificity 0.92); 3Cnet: 0.99 (>=0.6, sensitivity 0.72 and precision 0.9)]. Therefore, this variant is classified as Likely pathogenic according to the recommendation of ACMG/AMP guideline.